The following is an entry in ClinVar:

ClinVar aggregate classification (germline): Uncertain significance (1 of 4 stars; one submission).

Conditions:
Progressive familial heart block type IB (PFHB1B). Identifiers: Orphanet 871, MedGen C1970298, MONDO:0011474, OMIM 604559.

gnomAD v4.1: 16 of 1,614,016 alleles (0.00099%); highest among the groups gnomAD compares: Admixed American, 0.0017%; no homozygotes.

Submission:

Labcorp Genetics (formerly Invitae), Labcorp
Classification: Uncertain significance for Progressive familial heart block type IB. Last evaluated: 2025-08-06. Review status: criteria provided, single submitter. Criteria: Invitae Variant Classification Sherloc (09022015). Collection method: clinical testing. Allele origin: germline.
Comment: This sequence change replaces proline, which is neutral and non-polar, with serine, which is neutral and polar, at codon 558 of the TRPM4 protein (p.Pro558Ser). This variant is not present in population databases (gnomAD no frequency). This variant has not been reported in the literature in individuals affected with TRPM4-related conditions. ClinVar contains an entry for this variant (Variation ID: 1020712). An algorithm developed to predict the effect of missense changes on protein structure and function (PolyPhen-2) suggests that this variant is likely to be tolerated. In summary, the available evidence is currently insufficient to determine the role of this variant in disease. Therefore, it has been classified as a Variant of Uncertain Significance.

NM_017636.4(TRPM4):c.1672C>T (p.Pro558Ser)

Gene: TRPM4 (transient receptor potential cation channel subfamily M member 4; plus strand). Cytogenetic location: 19q13.33.
Variant type: single nucleotide variant.
Coding change: c.1672C>T on transcript NM_017636.4 (MANE Select); coding-DNA position 1672, C replaced by T.
Protein change: p.Pro558Ser; replaces proline 558 with serine.
Molecular consequence: missense variant.
Genome position (GRCh38, 1-based): chr19:49,183,141, C>T. VCF-style: chr19-49183141-C-T. GRCh37 (hg19) VCF-style: chr19-49686398-C-T.
Other names: c.1672C>T, p.Pro558Ser (NM_001195227.2); c.1327C>T, p.Pro443Ser (NM_001321281.2); c.64C>T, p.Pro22Ser (NM_001321282.2); c.1150C>T, p.Pro384Ser (NM_001321283.2); c.610C>T, p.Pro204Ser (NM_001321285.2); short protein forms P204S, P22S, P384S, P443S, P558S.
Identifiers: ClinVar variation 1020712 (VCV001020712.8), dbSNP rs1210530442, ClinGen allele CA406800482.